The following is an entry in ClinVar:

ClinVar aggregate classification (germline): Uncertain significance (1 of 4 stars; one submission).

Conditions:
Usher syndrome type 3B. Also called: USHER SYNDROME, TYPE IIIB. Identifiers: MedGen C3281066, MONDO:0013788, OMIM 614504.

Submission:

Labcorp Genetics (formerly Invitae), Labcorp
Classification: Uncertain significance for Usher syndrome type 3B. Last evaluated: 2023-03-16. Review status: criteria provided, single submitter. Criteria: Invitae Variant Classification Sherloc (09022015). Collection method: clinical testing. Allele origin: germline.
Comment: This sequence change falls in intron 8 of the HARS gene. It does not directly change the encoded amino acid sequence of the HARS protein. This variant is not present in population databases (gnomAD no frequency). This variant has not been reported in the literature in individuals affected with HARS-related conditions. Algorithms developed to predict the effect of sequence changes on RNA splicing suggest that this variant may disrupt the consensus splice site. In summary, the available evidence is currently insufficient to determine the role of this variant in disease. Therefore, it has been classified as a Variant of Uncertain Significance.

NM_002109.6(HARS1):c.824-10G>C

Gene: HARS1 (histidyl-tRNA synthetase 1; minus strand). Cytogenetic location: 5q31.3.
Variant type: single nucleotide variant.
Coding change: c.824-10G>C on transcript NM_002109.6 (MANE Select); 10 bases into the intron before coding-DNA position 824, G replaced by C.
Molecular consequence: intron variant.
Genome position (GRCh38, 1-based): chr5:140,677,126, C>G on the plus strand (G>C on the coding strand, the complement: HARS1 is on the minus strand). VCF-style: chr5-140677126-C-G. GRCh37 (hg19) VCF-style: chr5-140056711-C-G.
Other names: c.737-10G>C (NM_001289094.2); c.482-10G>C (NM_001289093.2); c.644-10G>C (NM_001258042.3); c.704-10G>C (NM_001258040.3); c.602-10G>C (NM_001289092.2); c.764-10G>C (NM_001258041.3).
Identifiers: ClinVar variation 2977963 (VCV002977963.3), dbSNP rs2481250211, ClinGen allele CA2740094096.